The following is an entry in ClinVar:

NM_000890.5(KCNJ5):c.497T>C (p.Ile166Thr)

Gene: KCNJ5 (potassium inwardly rectifying channel subfamily J member 5; plus strand). Cytogenetic location: 11q24.3.
Variant type: single nucleotide variant.
Coding change: c.497T>C on transcript NM_000890.5 (MANE Select); coding-DNA position 497, T replaced by C.
Protein change: p.Ile166Thr; replaces isoleucine 166 with threonine.
Molecular consequence: missense variant.
Genome position (GRCh38, 1-based): chr11:128,911,770, T>C. VCF-style: chr11-128911770-T-C. GRCh37 (hg19) VCF-style: chr11-128781665-T-C.
Other names: c.497T>C, p.Ile166Thr (NM_001354169.2); c.497T>C (NM_000890.3); short protein forms I166T.
Identifiers: ClinVar variation 1429400 (VCV001429400.10), dbSNP rs908209122, ClinGen allele CA230640475.

ClinVar aggregate classification (germline): Uncertain significance. Review status: criteria provided, multiple submitters, no conflicts (2 of 4 stars). 2 submissions from 2 submitters: Uncertain significance (2). Last evaluated 2026-05-12.

Conditions:
Cardiovascular phenotype. Identifiers: MedGen CN230736.
Long QT syndrome (LQTS). Identifiers: MedGen C0023976, MeSH D008133, MONDO:0002442. Disease mechanism: loss of function. Inheritance: Various modes of inheritance.

Allele frequency attached by ClinVar (database versions not stated): TOPMed 0.00003; gnomAD exomes below 0.00001; gnomAD 0.00001 and 0.00002.
gnomAD v4.1: 6 of 1,614,054 alleles (0.00037%); highest among the groups gnomAD compares: Admixed American, 0.0033%; no homozygotes.

Submissions (2):

Ambry Genetics
Classification: Uncertain significance for Cardiovascular phenotype. Last evaluated: 2026-05-12. Review status: criteria provided, single submitter. Criteria: Ambry Variant Classification Scheme 2023. Collection method: clinical testing. Allele origin: germline.

Labcorp Genetics (formerly Invitae), Labcorp
Classification: Uncertain significance for Long QT syndrome. Last evaluated: 2025-09-25. Review status: criteria provided, single submitter. Criteria: Invitae Variant Classification Sherloc (09022015). Collection method: clinical testing. Allele origin: germline.
Comment: This sequence change replaces isoleucine, which is neutral and non-polar, with threonine, which is neutral and polar, at codon 166 of the KCNJ5 protein (p.Ile166Thr). This variant is not present in population databases (gnomAD no frequency). This variant has not been reported in the literature in individuals affected with KCNJ5-related conditions. ClinVar contains an entry for this variant (Variation ID: 1429400). Invitae Evidence Modeling of protein sequence and biophysical properties (such as structural, functional, and spatial information, amino acid conservation, physicochemical variation, residue mobility, and thermodynamic stability) indicates that this missense variant is not expected to disrupt KCNJ5 protein function with a negative predictive value of 80%. In summary, the available evidence is currently insufficient to determine the role of this variant in disease. Therefore, it has been classified as a Variant of Uncertain Significance.